The following is an entry in ClinVar:

NM_015340.4(LARS2):c.762C>T (p.Asp254=)

Gene: LARS2 (leucyl-tRNA synthetase 2, mitochondrial; plus strand). Cytogenetic location: 3p21.31.
Variant type: single nucleotide variant.
Coding change: c.762C>T on transcript NM_015340.4 (MANE Select); coding-DNA position 762, C replaced by T.
Protein change: p.Asp254=; no amino-acid change (aspartic acid 254 retained).
Molecular consequence: synonymous variant.
Genome position (GRCh38, 1-based): chr3:45,474,254, C>T. VCF-style: chr3-45474254-C-T. GRCh37 (hg19) VCF-style: chr3-45515746-C-T.
Other names: c.762C>T, p.Asp254= (NM_001368263.1).
Identifiers: ClinVar variation 2416795 (VCV002416795.9), dbSNP rs144694969, ClinGen allele CA2349411.

ClinVar aggregate classification (germline): Likely benign. Review status: criteria provided, multiple submitters, no conflicts (2 of 4 stars). 2 submissions from 2 submitters: Likely benign (2). Last evaluated 2026-06-01.

Allele frequency attached by ClinVar (database versions not stated): ExAC 0.00002; gnomAD 0.00003; TOPMed 0.00005; ESP Exome Variant Server 0.00008.
gnomAD v4.1: 20 of 1,608,354 alleles (0.0012%); highest among the groups gnomAD compares: African/African-American, 0.013%; no homozygotes.

Submissions (2):

CeGaT Center for Human Genetics Tuebingen
Classification: Likely benign. Last evaluated: 2026-06-01. Review status: criteria provided, single submitter. Criteria: CeGaT Center For Human Genetics Tuebingen Variant Classification Criteria Version 2. Collection method: clinical testing. Allele origin: germline. Affected: yes. Observed: 1 variant allele.
Comment: LARS2: BP4, BP7

Labcorp Genetics (formerly Invitae), Labcorp
Classification: Likely benign. Last evaluated: 2025-12-11. Review status: criteria provided, single submitter. Criteria: Invitae Variant Classification Sherloc (09022015). Collection method: clinical testing. Allele origin: germline.